The following is an entry in ClinVar:

NM_005609.4(PYGM):c.1969+1del

Gene: PYGM (glycogen phosphorylase, muscle associated; minus strand). Cytogenetic location: 11q13.1.
Variant type: Deletion.
Coding change: c.1969+1del on transcript NM_005609.4 (MANE Select); the canonical splice donor site of the intron after coding-DNA position 1969, one base deleted (G; older notation c.1969+1delG).
Molecular consequence: splice donor variant.
Genome position (GRCh38, 1-based): chr11:64,751,324, C deleted on the plus strand (G on the coding strand, the reverse complement: PYGM is on the minus strand); the first of 2 consecutive C bases (chr11:64,751,324-64,751,325); deleting either gives the same sequence. VCF-style (leftmost placement, unchanged base first): chr11-64751323-AC-A. GRCh37 (hg19) VCF-style: chr11-64518795-AC-A.
Other names: c.1705+1del (NM_001164716.1).
Identifiers: ClinVar variation 5004753 (VCV005004753.1).
Genomic context (GRCh38, chr11:64,751,323, plus strand): 5'-ATACCTCTTCCTGAGACTGAACTAGTCAGAGCCTCCCTAGGGTCCCTGTTGGCAGCACCC[AC>A]CTTTCTCGGCCAGTGAGACTCGGTAGTTCTCCAGGAAGATGACACGGAGGCGGTCACCCA-3'

ClinVar aggregate classification (germline): Likely pathogenic (1 of 4 stars; one submission).

Conditions:
Glycogen storage disease, type V (GSD5). Also called: McArdle type glycogen storage disease; MCARDLE DISEASE; MUSCLE GLYCOGEN PHOSPHORYLASE DEFICIENCY; MYOPHOSPHORYLASE DEFICIENCY; PYGM DEFICIENCY. Identifiers: Orphanet 368, MedGen C0017924, MONDO:0009293, OMIM 232600.

Submission:

Myriad Genetics, Inc.
Classification: Likely pathogenic for Glycogen storage disease, type V. Last evaluated: 2026-06-26. Review status: criteria provided, single submitter. Criteria: Myriad Autosomal Dominant, Autosomal Recessive and X-Linked Classification Criteria (2023). Collection method: clinical testing. Allele origin: unknown.
Comment: NM_005609.2(PYGM):c.1969+1delG is a variant in a canonical splice site classified as likely pathogenic in the context of glycogen storage disease, PYGM-related. c.1969+1delG has not been observed in cases with relevant disease. Relevant functional assessments of this variant are not available in the literature. c.1969+1delG has not been observed in referenced population frequency databases. In summary, NM_005609.2(PYGM):c.1969+1delG is a variant in a canonical splice site in a gene where loss of function is a known mechanism of disease and is predicted to disrupt protein function. Please note: this variant was assessed in the context of healthy population screening.